The following is an entry in ClinVar:

ClinVar aggregate classification (germline): Uncertain significance (1 of 4 stars; one submission).

Conditions:
Baller-Gerold syndrome (BGS). Also called: CRANIOSYNOSTOSIS WITH RADIAL DEFECTS. Identifiers: Orphanet 1225, MedGen C0265308, MONDO:0009039, OMIM 218600.

Submission:

Labcorp Genetics (formerly Invitae), Labcorp
Classification: Uncertain significance for Baller-Gerold syndrome. Last evaluated: 2019-08-31. Review status: criteria provided, single submitter. Criteria: Invitae Variant Classification Sherloc (09022015). Collection method: clinical testing. Allele origin: germline.
Comment: In summary, the available evidence is currently insufficient to determine the role of this variant in disease. Therefore, it has been classified as a Variant of Uncertain Significance. Algorithms developed to predict the effect of missense changes on protein structure and function are either unavailable or do not agree on the potential impact of this missense change (SIFT: "Tolerated"; PolyPhen-2: "Not available"; Align-GVGD: "Class C0"). This variant has not been reported in the literature in individuals with RECQL4-related conditions. This variant is not present in population databases (ExAC no frequency). This sequence change replaces glutamine with histidine at codon 181 of the RECQL4 protein (p.Gln181His). The glutamine residue is weakly conserved and there is a small physicochemical difference between glutamine and histidine.

NM_004260.4(RECQL4):c.543G>C (p.Gln181His)

Gene: RECQL4 (RecQ like helicase 4; minus strand). Cytogenetic location: 8q24.3.
Variant type: single nucleotide variant.
Coding change: c.543G>C on transcript NM_004260.4 (MANE Select); coding-DNA position 543, G replaced by C.
Protein change: p.Gln181His; replaces glutamine 181 with histidine.
Molecular consequence: missense variant.
Genome position (GRCh38, 1-based): chr8:144,516,576, C>G on the plus strand (G>C on the coding strand, the complement: RECQL4 is on the minus strand). VCF-style: chr8-144516576-C-G. GRCh37 (hg19) VCF-style: chr8-145741960-C-G.
Other names: short protein forms Q181H.
Identifiers: ClinVar variation 942603 (VCV000942603.5), dbSNP rs34159914, ClinGen allele CA372691086.